The following is an entry in ClinVar:

ClinVar aggregate classification (germline): Uncertain significance (1 of 4 stars; one submission).

Conditions:
Muscular dystrophy-dystroglycanopathy (congenital with brain and eye anomalies), type A, 7. Also called: WALKER-WARBURG SYNDROME OR MUSCLE-EYE-BRAIN DISEASE, ISPD-RELATED; Congenital muscular dystrophy-dystroglycanopathy with brain and eye anomalies, type A7. Identifiers: Orphanet 899, MedGen C3553330, MONDO:0013835, OMIM 614643.
Autosomal recessive limb-girdle muscular dystrophy type 2U. Also called: Muscular dystrophy-dystroglycanopathy (limb-girdle), type c, 7; MUSCULAR DYSTROPHY, LIMB-GIRDLE, TYPE 2U. Identifiers: Orphanet 352479, MedGen C5190987, MONDO:0014474, OMIM 616052.

Allele frequency attached by ClinVar (database versions not stated): gnomAD exomes below 0.00001.
gnomAD v4.1: 2 of 1,607,690 alleles (0.00012%); highest among the groups gnomAD compares: Non-Finnish European, 0.00017%; no homozygotes.

Submission:

Labcorp Genetics (formerly Invitae), Labcorp
Classification: Uncertain significance for Muscular dystrophy-dystroglycanopathy (congenital with brain and eye anomalies), type A, 7; Autosomal recessive limb-girdle muscular dystrophy type 2U. Last evaluated: 2022-06-13. Review status: criteria provided, single submitter. Criteria: Invitae Variant Classification Sherloc (09022015). Collection method: clinical testing. Allele origin: germline.
Comment: In summary, the available evidence is currently insufficient to determine the role of this variant in disease. Therefore, it has been classified as a Variant of Uncertain Significance. Algorithms developed to predict the effect of missense changes on protein structure and function (SIFT, PolyPhen-2, Align-GVGD) all suggest that this variant is likely to be disruptive. This variant has not been reported in the literature in individuals affected with ISPD-related conditions. This variant is not present in population databases (gnomAD no frequency). This sequence change replaces valine, which is neutral and non-polar, with alanine, which is neutral and non-polar, at codon 255 of the ISPD protein (p.Val255Ala).

NM_001101426.4(CRPPA):c.764T>C (p.Val255Ala)

Gene: CRPPA (CDP-L-ribitol pyrophosphorylase A; minus strand). Cytogenetic location: 7p21.2.
Variant type: single nucleotide variant.
Coding change: c.764T>C on transcript NM_001101426.4 (MANE Select); coding-DNA position 764, T replaced by C.
Protein change: p.Val255Ala; replaces valine 255 with alanine.
Molecular consequence: missense variant. On other transcripts: intron variant (1).
Genome position (GRCh38, 1-based): chr7:16,308,548, A>G on the plus strand (T>C on the coding strand, the complement: CRPPA is on the minus strand). VCF-style: chr7-16308548-A-G. GRCh37 (hg19) VCF-style: chr7-16348173-A-G.
Other names: c.614T>C, p.Val205Ala (NM_001101417.4); c.685-7082T>C (NM_001368197.1); short protein forms V205A, V255A.
Identifiers: ClinVar variation 1680769 (VCV001680769.6), dbSNP rs2128424716, ClinGen allele CA367001608.